The following is an entry in ClinVar:

ClinVar aggregate classification (germline): Uncertain significance (1 of 4 stars; one submission).

Submission:

Labcorp Genetics (formerly Invitae), Labcorp
Classification: Uncertain significance. Last evaluated: 2025-08-06. Review status: criteria provided, single submitter. Criteria: Invitae Variant Classification Sherloc (09022015). Collection method: clinical testing. Allele origin: germline.
Comment: This sequence change replaces arginine, which is basic and polar, with leucine, which is neutral and non-polar, at codon 7 of the TGFB1 protein (p.Arg7Leu). This variant is not present in population databases (gnomAD no frequency). This variant has not been reported in the literature in individuals affected with TGFB1-related conditions. ClinVar contains an entry for this variant (Variation ID: 2189128). Experimental studies and prediction algorithms are not available or were not evaluated, and the functional significance of this variant is currently unknown. In summary, the available evidence is currently insufficient to determine the role of this variant in disease. Therefore, it has been classified as a Variant of Uncertain Significance.

NM_000660.7(TGFB1):c.20G>T (p.Arg7Leu)

Gene: TGFB1 (transforming growth factor beta 1; minus strand). Cytogenetic location: 19q13.2.
Variant type: single nucleotide variant.
Coding change: c.20G>T on transcript NM_000660.7 (MANE Select); coding-DNA position 20, G replaced by T.
Protein change: p.Arg7Leu; replaces arginine 7 with leucine.
Molecular consequence: missense variant.
Genome position (GRCh38, 1-based): chr19:41,353,025, C>A on the plus strand (G>T on the coding strand, the complement: TGFB1 is on the minus strand). VCF-style: chr19-41353025-C-A. GRCh37 (hg19) VCF-style: chr19-41858930-C-A.
Other names: short protein forms R7L.
Identifiers: ClinVar variation 2189128 (VCV002189128.4), dbSNP rs765539991, ClinGen allele CA9460188.